The following is an entry in ClinVar:

ClinVar aggregate classification (germline): Uncertain significance (1 of 4 stars; one submission).

gnomAD v4.1: 12 of 1,551,400 alleles (0.00077%); highest among the groups gnomAD compares: East Asian, 0.0049%; no homozygotes.

Submission:

Labcorp Genetics (formerly Invitae), Labcorp
Classification: Uncertain significance. Last evaluated: 2024-10-29. Review status: criteria provided, single submitter. Criteria: Invitae Variant Classification Sherloc (09022015). Collection method: clinical testing. Allele origin: germline.
Comment: This sequence change replaces proline, which is neutral and non-polar, with leucine, which is neutral and non-polar, at codon 3057 of the UNC80 protein (p.Pro3057Leu). This variant is not present in population databases (gnomAD no frequency). This variant has not been reported in the literature in individuals affected with UNC80-related conditions. Invitae Evidence Modeling of protein sequence and biophysical properties (such as structural, functional, and spatial information, amino acid conservation, physicochemical variation, residue mobility, and thermodynamic stability) indicates that this missense variant is not expected to disrupt UNC80 protein function with a negative predictive value of 80%. In summary, the available evidence is currently insufficient to determine the role of this variant in disease. Therefore, it has been classified as a Variant of Uncertain Significance.

NM_001371986.1(UNC80):c.9368C>T (p.Pro3123Leu)

Gene: UNC80 (unc-80 subunit of NALCN channel complex; plus strand). Cytogenetic location: 2q34.
Variant type: single nucleotide variant.
Coding change: c.9368C>T on transcript NM_001371986.1 (MANE Select); coding-DNA position 9368, C replaced by T.
Protein change: p.Pro3123Leu; replaces proline 3123 with leucine.
Molecular consequence: missense variant.
Genome position (GRCh38, 1-based): chr2:209,992,219, C>T. VCF-style: chr2-209992219-C-T. GRCh37 (hg19) VCF-style: chr2-210856943-C-T.
Other names: c.9170C>T, p.Pro3057Leu (NM_032504.2); c.9098C>T, p.Pro3033Leu (NM_182587.4); short protein forms P3033L, P3057L, P3123L.
Identifiers: ClinVar variation 3605730 (VCV003605730.2).